The following is an entry in ClinVar:

NM_001184880.2(PCDH19):c.571G>A (p.Val191Met)

Gene: PCDH19 (protocadherin 19; minus strand). Cytogenetic location: Xq22.1.
Variant type: single nucleotide variant.
Coding change: c.571G>A on transcript NM_001184880.2 (MANE Select); coding-DNA position 571, G replaced by A.
Protein change: p.Val191Met; replaces valine 191 with methionine.
Molecular consequence: missense variant.
Genome position (GRCh38, 1-based): chrX:100,408,027, C>T on the plus strand (G>A on the coding strand, the complement: PCDH19 is on the minus strand). VCF-style: chrX-100408027-C-T. GRCh37 (hg19) VCF-style: chrX-99663025-C-T.
Other names: c.571G>A, p.Val191Met (NM_001105243.2, NM_020766.3); short protein forms V191M.
Identifiers: ClinVar variation 1426490 (VCV001426490.6), dbSNP rs753757730, ClinGen allele CA414009261.
Genomic context (GRCh38, chrX:100,408,027, plus strand): 5'-GCGCAGTGATTCGGAAGCTGTAGTGCGACTGCGTCTCGCGGTCCAGGCTCTTTTCCACCA[C>T]GAGTTCGGCAAAGCGGGAGCCGTCGCCGCGCGTCTTGATCTCCAGGCCGAACAGCTCGTT-3'
Protein context (NP_001171809.1, residues 181-201): RGDGSRFAEL[Val191Met]VEKSLDRETQ

ClinVar aggregate classification (germline): Uncertain significance (1 of 4 stars; one submission).

Conditions:
Developmental and epileptic encephalopathy, 9 (DEE9). Also called: Early infantile epileptic encephalopathy 9; EPILEPSY, FEMALE-RESTRICTED, WITH MENTAL RETARDATION; JUBERG-HELLMAN SYNDROME; PCDH19-Related X-Linked Female-Limited Epilepsy with Mental Retardation. Identifiers: Orphanet 101039, Orphanet 2076, MedGen C1848137, MONDO:0010246, OMIM 300088. Disease mechanism: loss of function.

Submission:

Labcorp Genetics (formerly Invitae), Labcorp
Classification: Uncertain significance for Developmental and epileptic encephalopathy, 9. Last evaluated: 2023-07-31. Review status: criteria provided, single submitter. Criteria: Invitae Variant Classification Sherloc (09022015). Collection method: clinical testing. Allele origin: germline.
Comment: This sequence change replaces valine, which is neutral and non-polar, with methionine, which is neutral and non-polar, at codon 191 of the PCDH19 protein (p.Val191Met). The frequency data for this variant in the population databases is considered unreliable, as metrics indicate poor data quality at this position in the gnomAD database. This variant has not been reported in the literature in individuals affected with PCDH19-related conditions. ClinVar contains an entry for this variant (Variation ID: 1426490). Advanced modeling of protein sequence and biophysical properties (such as structural, functional, and spatial information, amino acid conservation, physicochemical variation, residue mobility, and thermodynamic stability) has been performed at Invitae for this missense variant, however the output from this modeling did not meet the statistical confidence thresholds required to predict the impact of this variant on PCDH19 protein function. In summary, the available evidence is currently insufficient to determine the role of this variant in disease. Therefore, it has been classified as a Variant of Uncertain Significance.